The following is an entry in ClinVar:

NM_001267550.2(TTN):c.54844A>T (p.Lys18282Ter)

Genes: TTN (titin; minus strand), TTN-AS1 (TTN antisense RNA 1; plus strand). Cytogenetic location: 2q31.2.
Variant type: single nucleotide variant.
Coding change: c.54844A>T on transcript NM_001267550.2 (MANE Select); coding-DNA position 54844, A replaced by T.
Protein change: p.Lys18282Ter; replaces lysine 18282 with a stop codon.
Molecular consequence: nonsense.
Genome position (GRCh38, 1-based): chr2:178,602,558, T>A on the plus strand (A>T on the coding strand, the complement: TTN is on the minus strand). VCF-style: chr2-178602558-T-A. GRCh37 (hg19) VCF-style: chr2-179467285-T-A.
Other names: c.27649A>T, p.Lys9217Ter (NM_003319.4); c.47140A>T, p.Lys15714Ter (NM_133378.4); c.28024A>T, p.Lys9342Ter (NM_133432.3); c.28225A>T, p.Lys9409Ter (NM_133437.4); c.49921A>T, p.Lys16641Ter (NM_001256850.1); short protein forms K9409*, K16641*, K18282*, K9217*, K15714*, K9342*.
Identifiers: ClinVar variation 4193787 (VCV004193787.1).

ClinVar aggregate classification (germline): Likely pathogenic (1 of 4 stars; one submission).

Conditions:
Cardiovascular phenotype. Identifiers: MedGen CN230736.

Submission:

Ambry Genetics
Classification: Likely pathogenic for Cardiovascular phenotype. Last evaluated: 2025-09-09. Review status: criteria provided, single submitter. Criteria: Ambry Variant Classification Scheme 2023. Collection method: clinical testing. Allele origin: germline.
Comment: The p.K9217* variant (also known as c.27649A>T), located in coding exon 110 of the TTN gene, results from an A to T substitution at nucleotide position 27649. This changes the amino acid from a lysine to a stop codon within coding exon 110. This exon is located in the A-band region of the N2-B isoform of the titin protein and is constitutively expressed in TTN transcripts (percent spliced in or PSI 100%). This variant was reported in individual(s) with features consistent with dilated cardiomyopathy (Ambry internal data). This variant is considered to be rare based on population cohorts in the Genome Aggregation Database (gnomAD). This variant is expected to result in loss of function by premature protein truncation or nonsense-mediated mRNA decay. While truncating variants in TTN are present in 1-3% of the general population, truncating variants in the A-band are the most common cause of dilated cardiomyopathy (Herman DS et al. N. Engl. J. Med., 2012 Feb;366:619-28; Roberts AM et al. Sci Transl Med, 2015 Jan;7:270ra6). TTN truncating variants encoded in constitutive exons (PSI >90%) have been found to be significantly associated with DCM regardless of their position in titin (Schafer S et al. Nat. Genet., 2017 01;49:46-53; Akhtar MM et al. Circ Heart Fail, 2020 Oct;13:e006832; Massier M et al. Clin Genet, 2025 Jan). Based on the majority of available evidence to date, this variant is likely to be pathogenic.